The following is an entry in ClinVar:

NM_005445.4(SMC3):c.2116+20A>G

Gene: SMC3 (structural maintenance of chromosomes 3; plus strand). Cytogenetic location: 10q25.2.
Variant type: single nucleotide variant.
Coding change: c.2116+20A>G on transcript NM_005445.4 (MANE Select); 20 bases into the intron after coding-DNA position 2116, A replaced by G.
Molecular consequence: intron variant.
Genome position (GRCh38, 1-based): chr10:110,596,570, A>G. VCF-style: chr10-110596570-A-G. GRCh37 (hg19) VCF-style: chr10-112356328-A-G.
Identifiers: ClinVar variation 3686952 (VCV003686952.2).

ClinVar aggregate classification (germline): Uncertain significance (1 of 4 stars; one submission).

Conditions:
Cornelia de Lange syndrome 3 (CDLS3). Also called: SMC3-Related Cornelia de Lange Syndrome; CORNELIA DE LANGE SYNDROME 3 WITH OR WITHOUT MIDLINE BRAIN DEFECTS. Identifiers: Orphanet 199, MedGen C1853099, MONDO:0012555, OMIM 610759.

gnomAD v4.1: 3 of 1,609,290 alleles (0.00019%); highest among the groups gnomAD compares: South Asian, 0.0033%; no homozygotes.

Submission:

Labcorp Genetics (formerly Invitae), Labcorp
Classification: Uncertain significance for Cornelia de Lange syndrome 3. Last evaluated: 2024-09-24. Review status: criteria provided, single submitter. Criteria: Invitae Variant Classification Sherloc (09022015). Collection method: clinical testing. Allele origin: germline.
Comment: This sequence change falls in intron 19 of the SMC3 gene. It does not directly change the encoded amino acid sequence of the SMC3 protein. This variant is present in population databases (no rsID available, gnomAD 0.003%). This variant has not been reported in the literature in individuals affected with SMC3-related conditions. Algorithms developed to predict the effect of sequence changes on RNA splicing suggest that this variant may create or strengthen a splice site. In summary, the available evidence is currently insufficient to determine the role of this variant in disease. Therefore, it has been classified as a Variant of Uncertain Significance.